The following is an entry in ClinVar:

NM_001999.4(FBN2):c.1079-14T>G

Gene: FBN2 (fibrillin 2; minus strand). Cytogenetic location: 5q23.3.
Variant type: single nucleotide variant.
Coding change: c.1079-14T>G on transcript NM_001999.4 (MANE Select); 14 bases into the intron before coding-DNA position 1079, T replaced by G.
Molecular consequence: intron variant.
Genome position (GRCh38, 1-based): chr5:128,395,288, A>C on the plus strand (T>G on the coding strand, the complement: FBN2 is on the minus strand). VCF-style: chr5-128395288-A-C. GRCh37 (hg19) VCF-style: chr5-127730981-A-C.
Identifiers: ClinVar variation 390116 (VCV000390116.10), dbSNP rs754310681, ClinGen allele CA3395889.

ClinVar aggregate classification (germline): Likely benign. Review status: criteria provided, multiple submitters, no conflicts (2 of 4 stars). 3 submissions from 3 submitters: Likely benign (3). Last evaluated 2025-11-25.

Conditions:
Congenital contractural arachnodactyly (CCA). Also called: BEALS SYNDROME; Beals-Hecht syndrome; Arthrogryposis, distal, type 9. Identifiers: Orphanet 115, MedGen C0220668, MONDO:0007363, OMIM 121050.

Allele frequency attached by ClinVar (database versions not stated): gnomAD 0.00001; ExAC 0.00002; gnomAD exomes 0.00002; TOPMed 0.00002.
gnomAD v4.1: 26 of 1,613,842 alleles (0.0016%); highest among the groups gnomAD compares: Non-Finnish European, 0.002%; no homozygotes.

Submissions (3):

Labcorp Genetics (formerly Invitae), Labcorp
Classification: Likely benign for Congenital contractural arachnodactyly. Last evaluated: 2025-11-25. Review status: criteria provided, single submitter. Criteria: Invitae Variant Classification Sherloc (09022015). Collection method: clinical testing. Allele origin: germline.

Blueprint Genetics
Classification: Likely benign. Last evaluated: 2024-11-21. Review status: criteria provided, single submitter. Criteria: ACMG Guidelines, 2015. Collection method: clinical testing. Allele origin: germline.

GeneDx
Classification: Likely benign. Last evaluated: 2016-10-19. Review status: criteria provided, single submitter. Criteria: GeneDx Variant Classification (06012015). Collection method: clinical testing. Allele origin: germline. Affected: yes.
Comment: This variant is considered likely benign or benign based on one or more of the following criteria: it is a conservative change, it occurs at a poorly conserved position in the protein, it is predicted to be benign by multiple in silico algorithms, and/or has population frequency not consistent with disease.